The following is an entry in ClinVar:

ClinVar aggregate classification (germline): Uncertain significance. Review status: criteria provided, multiple submitters, no conflicts (2 of 4 stars). 2 submissions from 2 submitters: Uncertain significance (2). Last evaluated 2024-10-30.

Allele frequency attached by ClinVar (database versions not stated): gnomAD 0.00001; ExAC 0.00002; gnomAD exomes 0.00001; TOPMed 0.00002.
gnomAD v4.1: 21 of 1,613,664 alleles (0.0013%); highest among the groups gnomAD compares: East Asian, 0.0022%; no homozygotes.

Submissions (2):

Labcorp Genetics (formerly Invitae), Labcorp
Classification: Uncertain significance. Last evaluated: 2024-10-30. Review status: criteria provided, single submitter. Criteria: Invitae Variant Classification Sherloc (09022015). Collection method: clinical testing. Allele origin: germline.
Comment: This sequence change replaces asparagine, which is neutral and polar, with serine, which is neutral and polar, at codon 1315 of the CDH23 protein (p.Asn1315Ser). This variant is present in population databases (rs752989030, gnomAD 0.007%). This variant has not been reported in the literature in individuals affected with CDH23-related conditions. ClinVar contains an entry for this variant (Variation ID: 2153520). Invitae Evidence Modeling of protein sequence and biophysical properties (such as structural, functional, and spatial information, amino acid conservation, physicochemical variation, residue mobility, and thermodynamic stability) has been performed for this missense variant. However, the output from this modeling did not meet the statistical confidence thresholds required to predict the impact of this variant on CDH23 protein function. In summary, the available evidence is currently insufficient to determine the role of this variant in disease. Therefore, it has been classified as a Variant of Uncertain Significance.

Blueprint Genetics
Classification: Uncertain significance. Last evaluated: 2023-06-01. Review status: criteria provided, single submitter. Criteria: ACMG Guidelines, 2015. Collection method: clinical testing. Allele origin: germline.

NM_022124.6(CDH23):c.3944A>G (p.Asn1315Ser)

Genes: C10orf105 (chromosome 10 open reading frame 105; minus strand), CDH23 (cadherin related 23; plus strand). Cytogenetic location: 10q22.1.
Variant type: single nucleotide variant.
Coding change: c.3944A>G on transcript NM_022124.6 (MANE Select); coding-DNA position 3944, A replaced by G.
Protein change: p.Asn1315Ser; replaces asparagine 1315 with serine.
Molecular consequence: missense variant. On other transcripts: intron variant (1).
Genome position (GRCh38, 1-based): chr10:71,732,215, A>G. VCF-style: chr10-71732215-A-G. GRCh37 (hg19) VCF-style: chr10-73491972-A-G.
Other names: c.3944A>G, p.Asn1315Ser (NM_001171930.2); c.-6+5513T>C (NM_001168390.2); short protein forms N1315S.
Identifiers: ClinVar variation 2153520 (VCV002153520.3), dbSNP rs752989030, ClinGen allele CA5544874.